The following is an entry in ClinVar:

ClinVar aggregate classification (germline): Conflicting classifications of pathogenicity. Review status: criteria provided, conflicting classifications (1 of 4 stars). 2 submissions from 2 submitters: Likely pathogenic (1); Uncertain significance (1). Last evaluated 2025-12-15.

Submissions (2):

Labcorp Genetics (formerly Invitae), Labcorp
Classification: Likely pathogenic. Last evaluated: 2025-12-15. Review status: criteria provided, single submitter. Criteria: Invitae Variant Classification Sherloc (09022015). Collection method: clinical testing. Allele origin: germline.
Comment: This sequence change replaces aspartic acid, which is acidic and polar, with glycine, which is neutral and non-polar, at codon 2024 of the ABCA4 protein (p.Asp2024Gly). This variant is not present in population databases (gnomAD no frequency). This missense change has been observed in individual(s) with Stargardt disease (PMID: 32619608; internal data). ClinVar contains an entry for this variant (Variation ID: 3700753). Invitae Evidence Modeling of protein sequence and biophysical properties (such as structural, functional, and spatial information, amino acid conservation, physicochemical variation, residue mobility, and thermodynamic stability) indicates that this missense variant is expected to disrupt ABCA4 protein function with a positive predictive value of 95%. In summary, the currently available evidence indicates that the variant is pathogenic, but additional data are needed to prove that conclusively. Therefore, this variant has been classified as Likely Pathogenic.

Blueprint Genetics
Classification: Uncertain significance. Last evaluated: 2019-12-30. Review status: criteria provided, single submitter. Criteria: ACMG Guidelines, 2015. Collection method: clinical testing. Allele origin: germline.

Literature cited by the submitters: PubMed 32619608 (cited by Labcorp Genetics (formerly Invitae), Labcorp).

NM_000350.3(ABCA4):c.6071A>G (p.Asp2024Gly)

Gene: ABCA4 (ATP binding cassette subfamily A member 4; minus strand). Cytogenetic location: 1p22.1.
Variant type: single nucleotide variant.
Coding change: c.6071A>G on transcript NM_000350.3 (MANE Select); coding-DNA position 6071, A replaced by G.
Protein change: p.Asp2024Gly; replaces aspartic acid 2024 with glycine.
Molecular consequence: missense variant.
Genome position (GRCh38, 1-based): chr1:94,005,517, T>C on the plus strand (A>G on the coding strand, the complement: ABCA4 is on the minus strand). VCF-style: chr1-94005517-T-C. GRCh37 (hg19) VCF-style: chr1-94471073-T-C.
Other names: c.5849A>G, p.Asp1950Gly (NM_001425324.1); short protein forms D2024G, D1950G.
Identifiers: ClinVar variation 3700753 (VCV003700753.3).